The following is an entry in ClinVar:

NM_032892.5(FRMD5):c.1233T>C (p.Asp411=)

Gene: FRMD5 (FERM domain containing 5; minus strand). Cytogenetic location: 15q15.3.
Variant type: single nucleotide variant.
Coding change: c.1233T>C on transcript NM_032892.5 (MANE Select); coding-DNA position 1233, T replaced by C.
Protein change: p.Asp411=; no amino-acid change (aspartic acid 411 retained).
Molecular consequence: synonymous variant. On other transcripts: non-coding transcript variant (1).
Genome position (GRCh38, 1-based): chr15:43,874,365, A>G on the plus strand (T>C on the coding strand, the complement: FRMD5 is on the minus strand). VCF-style: chr15-43874365-A-G. GRCh37 (hg19) VCF-style: chr15-44166563-A-G.
Other names: c.951T>C, p.Asp317= (NM_001286490.2); c.531T>C, p.Asp177= (NM_001286491.2); c.1233T>C, p.Asp411= (NM_001322949.2, NM_001322950.2, NM_001411124.1); c.1128T>C, p.Asp376= (NM_001322951.2).
Identifiers: ClinVar variation 4280860 (VCV004280860.7).
Genomic context (GRCh38, chr15:43,874,365, plus strand): 5'-CAGCACGCTGTCTGCAGGGCTGTAGGCCTCGTCTGCAATCACAGCTACTCGCTCATTGCT[A>G]TCTGTCCGGCTGCTTCTCACGTGAGGCAGGAAGGTGTCCCCATGGGAAGTGGAACGCACT-3'
Protein context (NP_116281.2, residues 401-421): FLPHVRSSRT[Asp411=]SNERVAVIAD

ClinVar aggregate classification (germline): Likely benign (1 of 4 stars; one submission).

gnomAD v4.1: 20 of 1,614,098 alleles (0.0012%); highest among the groups gnomAD compares: African/African-American, 0.008%; no homozygotes.

Submission:

CeGaT Center for Human Genetics Tuebingen
Classification: Likely benign. Last evaluated: 2025-09-01. Review status: criteria provided, single submitter. Criteria: CeGaT Center For Human Genetics Tuebingen Variant Classification Criteria Version 2. Collection method: clinical testing. Allele origin: germline. Affected: yes. Observed: 1 variant allele.
Comment: FRMD5: BP4, BP7